The following is an entry in ClinVar:

NM_003072.5(SMARCA4):c.1181G>A (p.Gly394Glu)

Gene: SMARCA4 (SWI/SNF related BAF chromatin remodeling complex subunit ATPase 4; plus strand). Cytogenetic location: 19p13.2.
Variant type: single nucleotide variant.
Coding change: c.1181G>A on transcript NM_003072.5 (MANE Select); coding-DNA position 1181, G replaced by A.
Protein change: p.Gly394Glu; replaces glycine 394 with glutamic acid.
Molecular consequence: missense variant. On other transcripts: non-coding transcript variant (1).
Genome position (GRCh38, 1-based): chr19:10,989,379, G>A. VCF-style: chr19-10989379-G-A. GRCh37 (hg19) VCF-style: chr19-11100055-G-A.
Other names: c.1181G>A, p.Gly394Glu (NM_001387283.1, NM_001411150.1, NM_001128844.3 and 6 more transcripts); short protein forms G394E.
Identifiers: ClinVar variation 4827337 (VCV004827337.1).

ClinVar aggregate classification (germline): Uncertain significance (1 of 4 stars; one submission).

Conditions:
Hereditary cancer-predisposing syndrome. Also called: Neoplastic Syndromes, Hereditary; Tumor predisposition; Hereditary Cancer Syndrome; Hereditary neoplastic syndrome. Identifiers: Orphanet 140162, MedGen C0027672, MeSH D009386, MONDO:0015356.

Submission:

Ambry Genetics
Classification: Uncertain significance for Hereditary cancer-predisposing syndrome. Last evaluated: 2026-03-07. Review status: criteria provided, single submitter. Criteria: Ambry Variant Classification Scheme 2023. Collection method: clinical testing. Allele origin: germline.
Comment: The p.G394E variant (also known as c.1181G>A), located in coding exon 6 of the SMARCA4 gene, results from a G to A substitution at nucleotide position 1181. The glycine at codon 394 is replaced by glutamic acid, an amino acid with similar properties. This amino acid position is conserved. In addition, this alteration is predicted to be deleterious by in silico analysis. Based on the available evidence, the clinical significance of this variant remains unclear.